The following is an entry in ClinVar:

ClinVar aggregate classification (germline): Uncertain significance (1 of 4 stars; one submission).

Conditions:
Meckel-Gruber syndrome. Also called: DYSENCEPHALIA SPLANCHNOCYSTICA; GRUBER SYNDROME; Dysencephalia splachnocystica. Identifiers: Orphanet 564, MedGen C0265215, MONDO:0018921.
Nephronophthisis. Also called: Juvenile Nephronophthisis. Identifiers: Orphanet 655, MedGen C0687120, MONDO:0019005, HP:0000090.
Joubert syndrome. Also called: CEREBELLOPARENCHYMAL DISORDER IV; JOUBERT-BOLTSHAUSER SYNDROME; Familial aplasia of the vermis. Identifiers: Orphanet 475, MedGen C5979921, MONDO:0018772.

Allele frequency attached by ClinVar (database versions not stated): gnomAD exomes below 0.00001.
gnomAD v4.1: 1 of 1,600,522 alleles (0.000062%); highest among the groups gnomAD compares: Non-Finnish European, 0.000085%; no homozygotes.

Submission:

Labcorp Genetics (formerly Invitae), Labcorp
Classification: Uncertain significance for Joubert syndrome; Meckel-Gruber syndrome; Nephronophthisis. Last evaluated: 2022-02-04. Review status: criteria provided, single submitter. Criteria: Invitae Variant Classification Sherloc (09022015). Collection method: clinical testing. Allele origin: germline.
Comment: This variant is not present in population databases (gnomAD no frequency). This sequence change replaces asparagine, which is neutral and polar, with tyrosine, which is neutral and polar, at codon 1944 of the CEP290 protein (p.Asn1944Tyr). This variant has not been reported in the literature in individuals affected with CEP290-related conditions. ClinVar contains an entry for this variant (Variation ID: 861014). Algorithms developed to predict the effect of missense changes on protein structure and function (SIFT, PolyPhen-2, Align-GVGD) all suggest that this variant is likely to be tolerated. In summary, the available evidence is currently insufficient to determine the role of this variant in disease. Therefore, it has been classified as a Variant of Uncertain Significance.

NM_025114.4(CEP290):c.5830A>T (p.Asn1944Tyr)

Gene: CEP290 (centrosomal protein 290; minus strand). Cytogenetic location: 12q21.32.
Variant type: single nucleotide variant.
Coding change: c.5830A>T on transcript NM_025114.4 (MANE Select); coding-DNA position 5830, A replaced by T.
Protein change: p.Asn1944Tyr; replaces asparagine 1944 with tyrosine.
Molecular consequence: missense variant.
Genome position (GRCh38, 1-based): chr12:88,071,806, T>A on the plus strand (A>T on the coding strand, the complement: CEP290 is on the minus strand). VCF-style: chr12-88071806-T-A. GRCh37 (hg19) VCF-style: chr12-88465583-T-A.
Other names: short protein forms N1944Y.
Identifiers: ClinVar variation 861014 (VCV000861014.10), dbSNP rs1014034003, ClinGen allele CA241150680.